The following is an entry in ClinVar:

NM_000204.5(CFI):c.148C>G (p.Pro50Ala)

Gene: CFI (complement factor I; minus strand). Cytogenetic location: 4q25.
Variant type: single nucleotide variant.
Coding change: c.148C>G on transcript NM_000204.5 (MANE Select); coding-DNA position 148, C replaced by G.
Protein change: p.Pro50Ala; replaces proline 50 with alanine.
Molecular consequence: missense variant. On other transcripts: non-coding transcript variant (3), intron variant (1).
Genome position (GRCh38, 1-based): chr4:109,766,734, G>C on the plus strand (C>G on the coding strand, the complement: CFI is on the minus strand). VCF-style: chr4-109766734-G-C. GRCh37 (hg19) VCF-style: chr4-110687890-G-C.
Other names: c.148C>G, p.Pro50Ala (NM_001318057.2, NM_001331035.2, NM_001375278.1 and 5 more transcripts); c.-127-5042C>G (NM_001375284.1); short protein forms P50A.
Identifiers: ClinVar variation 899590 (VCV000899590.14), dbSNP rs144082872, ClinGen allele CA3042342.

ClinVar aggregate classification (germline): Conflicting classifications of pathogenicity. Review status: criteria provided, conflicting classifications (1 of 4 stars). 7 submissions from 7 submitters: Pathogenic (1); Likely pathogenic (2); Uncertain significance (4). Last evaluated 2026-01-22.

Conditions:
Peroxisome biogenesis disorder 4A (Zellweger) (PBD4A). Also called: Zellweger syndrome spectrum (PEX6-related). Identifiers: Orphanet 912, MedGen C3553936, MONDO:0013930, OMIM 614862. Disease mechanism: loss of function.
Atypical hemolytic-uremic syndrome with I factor anomaly. Also called: HEMOLYTIC UREMIC SYNDROME, ATYPICAL, SUSCEPTIBILITY TO, 3; AHUS, SUSCEPTIBILITY TO, 3. Identifiers: Orphanet 2134, MedGen C2752039, MONDO:0013041, OMIM 612923.
Factor I deficiency (CFID). Also called: Complement factor I deficiency. Identifiers: Orphanet 200418, MedGen C3463916, MONDO:0012594, OMIM 610984.
Age related macular degeneration 13. Identifiers: MedGen C3809523, MONDO:0014189, OMIM 615439.
CFI-related disorder. Also called: CFI-related condition; CFI-related disorders. Identifiers: MedGen CN239325.

Allele frequency attached by ClinVar (database versions not stated): gnomAD 0.00006; ESP Exome Variant Server 0.00008; gnomAD exomes 0.00008 and 0.00010; TOPMed 0.00009; ExAC 0.00011; 1000 Genomes Project 30x 0.00016; 1000 Genomes Project 0.00020.
gnomAD v4.1: 133 of 1,613,978 alleles (0.0082%); highest among the groups gnomAD compares: Middle Eastern, 0.033%; no homozygotes.

Submissions (7):

Labcorp Genetics (formerly Invitae), Labcorp
Classification: Uncertain significance. Last evaluated: 2026-01-22. Review status: criteria provided, single submitter. Criteria: Invitae Variant Classification Sherloc (09022015). Collection method: clinical testing. Allele origin: germline.
Comment: This sequence change replaces proline, which is neutral and non-polar, with alanine, which is neutral and non-polar, at codon 50 of the CFI protein (p.Pro50Ala). This variant is present in population databases (rs144082872, gnomAD 0.03%). This missense change has been observed in individual(s) with atypical hemolytic uremic syndrome and age-related macular degeneration (PMID: 20016463, 24034049, 24036952, 31249236). ClinVar contains an entry for this variant (Variation ID: 899590). Invitae Evidence Modeling of protein sequence and biophysical properties (such as structural, functional, and spatial information, amino acid conservation, physicochemical variation, residue mobility, and thermodynamic stability) indicates that this missense variant is expected to disrupt CFI protein function with a positive predictive value of 80%. Experimental studies have shown that this missense change affects CFI function (PMID: 35069568). In summary, the available evidence is currently insufficient to determine the role of this variant in disease. Therefore, it has been classified as a Variant of Uncertain Significance.

Genomenon, Inc
Classification: Pathogenic for CFI-related disorder. Last evaluated: 2025-09-26. Review status: criteria provided, single submitter. Criteria: Genomenon Sequence Variant Interpretation Standards - Updated. Collection method: curation. Allele origin: germline. Affected: yes.
Comment: CFI p.Pro50Ala (c.148C>G) is a missense variant that changes the amino acid at residue 50 from Proline to Alanine. This variant has been observed in at least one proband affected with a CFI-related disorder (PMID:39238643;33912760;35619721;34852172;37954579;25037630;33956337;29732228;31865800;17914026;23787556;27268256;20016463;33270832;24034049). The variant was found to segregate with disease in at least one affected family (PMID:17914026). At least one functional study has demonstrated a substantial alteration in protein function relative to the wild-type (PMID:37954579;19877009;35069568;32510551;20016463). It is absent or not present at a significant frequency in gnomAD. In silico models agree that this variant is possibly or probably damaging. In conclusion, we classify CFI p.Pro50Ala (c.148C>G) as a pathogenic variant.

Genomic Medicine Center of Excellence, King Faisal Specialist Hospital and Research Centre
Classification: Uncertain significance for Age related macular degeneration 13. Last evaluated: 2024-12-19. Review status: criteria provided, single submitter. Criteria: ACMG Guidelines, 2015. Collection method: clinical testing. Allele origin: germline.

Blueprint Genetics
Classification: Uncertain significance. Last evaluated: 2024-11-25. Review status: criteria provided, single submitter. Criteria: ACMG Guidelines, 2015. Collection method: clinical testing. Allele origin: germline.

Fulgent Genetics
Classification: Likely pathogenic for Factor I deficiency; Atypical hemolytic-uremic syndrome with I factor anomaly; Age related macular degeneration 13. Last evaluated: 2024-06-17. Review status: criteria provided, single submitter. Criteria: ACMG Guidelines, 2015. Collection method: clinical testing. Allele origin: germline.

Illumina Laboratory Services, Illumina
Classification: Uncertain significance for Atypical hemolytic-uremic syndrome with I factor anomaly. Last evaluated: 2017-04-28. Review status: criteria provided, single submitter. Criteria: ICSL Variant Classification Criteria 13 December 2019. Collection method: clinical testing. Allele origin: germline.
Comment: This variant was observed as part of a predisposition screen in an ostensibly healthy population. A literature search was performed for the gene, cDNA change, and amino acid change (where applicable). Publications were found based on this search. However, the evidence from the literature, in combination with allele frequency data from public databases where available, was not sufficient to rule this variant in or out of causing disease. Therefore, this variant is classified as a variant of unknown significance.

Neuberg Centre For Genomic Medicine, NCGM
Classification: Likely pathogenic for Peroxisome biogenesis disorder 4A (Zellweger). Review status: criteria provided, single submitter. Criteria: ACMG Guidelines, 2015. Collection method: clinical testing. Allele origin: germline. Affected: yes.
Comment: The recombinantly expressed mutant protein containing the p.Pro50Ala variant showed significantly reduced C3b degradation compared to WT FI (de Jong S, et al., 2022). However, the available evidence is currently insufficient to determine the role of this variant in disease. For these reasons, the variant has been classified as Likely pathogenic. In case of AR inheritance, no other significant variant in CFI gene has been detected.

Literature cited by the submitters: PubMed 20016463 (cited by Labcorp Genetics (formerly Invitae), Labcorp and Illumina Laboratory Services, Illumina); PubMed 24034049 (cited by Labcorp Genetics (formerly Invitae), Labcorp and Illumina Laboratory Services, Illumina); PubMed 24036952 (cited by Labcorp Genetics (formerly Invitae), Labcorp and Illumina Laboratory Services, Illumina); PubMed 31249236 (cited by Labcorp Genetics (formerly Invitae), Labcorp); PubMed 35069568 (cited by Labcorp Genetics (formerly Invitae), Labcorp); PubMed 39238643 (cited by Genomenon, Inc); 33912760 (cited by Genomenon, Inc); 35619721 (cited by Genomenon, Inc); 34852172 (cited by Genomenon, Inc); 37954579 (cited by Genomenon, Inc); 25037630 (cited by Genomenon, Inc); 33956337 (cited by Genomenon, Inc); 29732228 (cited by Genomenon, Inc); 31865800 (cited by Genomenon, Inc); 17914026 (cited by Genomenon, Inc); 23787556 (cited by Genomenon, Inc); 27268256 (cited by Genomenon, Inc); 20016463 (cited by Genomenon, Inc); 33270832 (cited by Genomenon, Inc); 24034049 (cited by Genomenon, Inc); 19877009 (cited by Genomenon, Inc); 35069568 (cited by Genomenon, Inc); 32510551 (cited by Genomenon, Inc); PubMed 23787556 (cited by Illumina Laboratory Services, Illumina); PubMed 23431077 (cited by Illumina Laboratory Services, Illumina); PubMed 19877009 (cited by Illumina Laboratory Services, Illumina).